The following is an entry in ClinVar:

ClinVar aggregate classification (germline): Uncertain significance. Review status: criteria provided, multiple submitters, no conflicts (2 of 4 stars). 2 submissions from 2 submitters: Uncertain significance (2). Last evaluated 2024-08-20.

Conditions:
Familial cancer of breast. Also called: Hereditary breast cancer; BREAST CANCER, FAMILIAL; hereditary breast carcinoma. Identifiers: Orphanet 227535, MedGen C0346153, MONDO:0016419, OMIM 114480. Disease mechanism: loss of function.

Submissions (2):

Labcorp Genetics (formerly Invitae), Labcorp
Classification: Uncertain significance for Familial cancer of breast. Last evaluated: 2024-08-20. Review status: criteria provided, single submitter. Criteria: Invitae Variant Classification Sherloc (09022015). Collection method: clinical testing. Allele origin: germline.
Comment: This sequence change replaces proline, which is neutral and non-polar, with serine, which is neutral and polar, at codon 656 of the PALB2 protein (p.Pro656Ser). This variant is not present in population databases (gnomAD no frequency). This variant has not been reported in the literature in individuals affected with PALB2-related conditions. ClinVar contains an entry for this variant (Variation ID: 1712209). Invitae Evidence Modeling of protein sequence and biophysical properties (such as structural, functional, and spatial information, amino acid conservation, physicochemical variation, residue mobility, and thermodynamic stability) indicates that this missense variant is not expected to disrupt PALB2 protein function with a negative predictive value of 80%. In summary, the available evidence is currently insufficient to determine the role of this variant in disease. Therefore, it has been classified as a Variant of Uncertain Significance.

GeneDx
Classification: Uncertain significance. Last evaluated: 2022-04-20. Review status: criteria provided, single submitter. Criteria: GeneDx Variant Classification Process June 2021. Collection method: clinical testing. Allele origin: germline. Affected: yes.
Comment: Not observed at significant frequency in large population cohorts (gnomAD); In silico analysis supports that this missense variant does not alter protein structure/function; Has not been previously published as pathogenic or benign to our knowledge; This variant is associated with the following publications: (PMID: 22941656)

NM_024675.4(PALB2):c.1966C>T (p.Pro656Ser)

Gene: PALB2 (partner and localizer of BRCA2; minus strand). Cytogenetic location: 16p12.2.
Variant type: single nucleotide variant.
Coding change: c.1966C>T on transcript NM_024675.4 (MANE Select); coding-DNA position 1966, C replaced by T.
Protein change: p.Pro656Ser; replaces proline 656 with serine.
Molecular consequence: missense variant.
Genome position (GRCh38, 1-based): chr16:23,630,188, G>A on the plus strand (C>T on the coding strand, the complement: PALB2 is on the minus strand). VCF-style: chr16-23630188-G-A. GRCh37 (hg19) VCF-style: chr16-23641509-G-A.
Other names: c.1966C>T, p.Pro656Ser (NM_001407298.1, NM_001407297.1, NM_001407299.1 and 3 more transcripts); c.1906C>T, p.Pro636Ser (NM_001407296.1); c.1081C>T, p.Pro361Ser (NM_001407304.1, NM_001407305.1, NM_001407306.1 and 5 more transcripts); c.178C>T, p.Pro60Ser (NM_001407312.1, NM_001407313.1); short protein forms P361S, P60S, P636S, P656S.
Identifiers: ClinVar variation 1712209 (VCV001712209.4), dbSNP rs2506428614, ClinGen allele CA395127332.